The following is an entry in ClinVar:

NM_000256.3(MYBPC3):c.3192C>G (p.Asp1064Glu)

Gene: MYBPC3 (myosin binding protein C3; minus strand). Cytogenetic location: 11p11.2.
Variant type: single nucleotide variant.
Coding change: c.3192C>G on transcript NM_000256.3 (MANE Select); coding-DNA position 3192, C replaced by G.
Protein change: p.Asp1064Glu; replaces aspartic acid 1064 with glutamic acid.
Molecular consequence: missense variant.
Genome position (GRCh38, 1-based): chr11:47,333,332, G>C on the plus strand (C>G on the coding strand, the complement: MYBPC3 is on the minus strand). VCF-style: chr11-47333332-G-C. GRCh37 (hg19) VCF-style: chr11-47354883-G-C.
Other names: short protein forms D1064E.
Identifiers: ClinVar variation 921316 (VCV000921316.5), dbSNP rs2095879164, ClinGen allele CA380314560.

ClinVar aggregate classification (germline): Uncertain significance. Review status: criteria provided, multiple submitters, no conflicts (2 of 4 stars). 2 submissions from 2 submitters: Uncertain significance (2). Last evaluated 2023-07-28.

Conditions:
Cardiomyopathy (CMYO). Also called: Cardiomyopathies. Identifiers: Orphanet 167848, MedGen C0878544, MONDO:0004994, HP:0001638. Inheritance: Various modes of inheritance.
Hypertrophic cardiomyopathy. Also called: HYPERTROPHIC MYOCARDIOPATHY. Identifiers: Orphanet 217569, MedGen C0007194, MeSH D002312, MONDO:0005045, HP:0001639.

Submissions (2):

Labcorp Genetics (formerly Invitae), Labcorp
Classification: Uncertain significance for Hypertrophic cardiomyopathy. Last evaluated: 2023-07-28. Review status: criteria provided, single submitter. Criteria: Invitae Variant Classification Sherloc (09022015). Collection method: clinical testing. Allele origin: germline.
Comment: In summary, the available evidence is currently insufficient to determine the role of this variant in disease. Therefore, it has been classified as a Variant of Uncertain Significance. An algorithm developed to predict the effect of missense changes on protein structure and function (PolyPhen-2) suggests that this variant is likely to be disruptive. ClinVar contains an entry for this variant (Variation ID: 921316). This variant has not been reported in the literature in individuals affected with MYBPC3-related conditions. This variant is not present in population databases (gnomAD no frequency). This sequence change replaces aspartic acid, which is acidic and polar, with glutamic acid, which is acidic and polar, at codon 1064 of the MYBPC3 protein (p.Asp1064Glu).

Color Diagnostics, LLC DBA Color Health
Classification: Uncertain significance for Cardiomyopathy. Last evaluated: 2018-11-19. Review status: criteria provided, single submitter. Criteria: ACMG Guidelines, 2015. Collection method: clinical testing. Allele origin: germline.